The following is an entry in ClinVar:

ClinVar aggregate classification (germline): Uncertain significance. Review status: criteria provided, multiple submitters, no conflicts (2 of 4 stars). 2 submissions from 2 submitters: Uncertain significance (2). Last evaluated 2025-10-06.

Conditions:
Inborn genetic diseases. Identifiers: MedGen C0950123, MeSH D030342.
Immunodeficiency 104. Also called: Severe Combined Immune Deficiency, Autosomal Recessive, TCell -Negative, B Cell-Positive, NK Cell-Positive, IL7R-Related; Severe combined immunodeficiency, autosomal recessive, T cell-negative, B cell-positive, NK cell-positive; IMMUNODEFICIENCY 104, SEVERE COMBINED; SCID, AUTOSOMAL RECESSIVE, T CELL-NEGATIVE, B CELL-POSITIVE, NK CELL-POSITIVE. Identifiers: MedGen C5676890, MONDO:0012163, OMIM 608971.

Allele frequency attached by ClinVar (database versions not stated): TOPMed 0.00001; ESP Exome Variant Server 0.00008.

Submissions (2):

Ambry Genetics
Classification: Uncertain significance for Inborn genetic diseases. Last evaluated: 2025-10-06. Review status: criteria provided, single submitter. Criteria: Ambry Variant Classification Scheme 2023. Collection method: clinical testing. Allele origin: germline.

Labcorp Genetics (formerly Invitae), Labcorp
Classification: Uncertain significance for Immunodeficiency 104. Last evaluated: 2022-04-28. Review status: criteria provided, single submitter. Criteria: Invitae Variant Classification Sherloc (09022015). Collection method: clinical testing. Allele origin: germline.
Comment: This sequence change replaces serine, which is neutral and polar, with alanine, which is neutral and non-polar, at codon 201 of the PTPRC protein (p.Ser201Ala). This variant is not present in population databases (gnomAD no frequency). This variant has not been reported in the literature in individuals affected with PTPRC-related conditions. Algorithms developed to predict the effect of missense changes on protein structure and function output the following: SIFT: "Tolerated"; PolyPhen-2: "Benign"; Align-GVGD: "Class C0". The alanine amino acid residue is found in multiple mammalian species, which suggests that this missense change does not adversely affect protein function. In summary, the available evidence is currently insufficient to determine the role of this variant in disease. Therefore, it has been classified as a Variant of Uncertain Significance.

NM_002838.5(PTPRC):c.601T>G (p.Ser201Ala)

Gene: PTPRC (protein tyrosine phosphatase receptor type C; plus strand). Cytogenetic location: 1q32.1.
Variant type: single nucleotide variant.
Coding change: c.601T>G on transcript NM_002838.5 (MANE Select); coding-DNA position 601, T replaced by G.
Protein change: p.Ser201Ala; replaces serine 201 with alanine.
Molecular consequence: missense variant.
Genome position (GRCh38, 1-based): chr1:198,703,315, T>G. VCF-style: chr1-198703315-T-G. GRCh37 (hg19) VCF-style: chr1-198672444-T-G.
Other names: c.595T>G (NM_002838.3); c.118T>G, p.Ser40Ala (NM_080921.4); short protein forms S201A, S40A.
Identifiers: ClinVar variation 2085738 (VCV002085738.2), dbSNP rs148271722, ClinGen allele CA36182968.